The following is an entry in ClinVar:

NM_198525.3(KIF7):c.874C>T (p.Pro292Ser)

Gene: KIF7 (kinesin family member 7; minus strand). Cytogenetic location: 15q26.1.
Variant type: single nucleotide variant.
Coding change: c.874C>T on transcript NM_198525.3 (MANE Select); coding-DNA position 874, C replaced by T.
Protein change: p.Pro292Ser; replaces proline 292 with serine.
Molecular consequence: missense variant.
Genome position (GRCh38, 1-based): chr15:89,649,023, G>A on the plus strand (C>T on the coding strand, the complement: KIF7 is on the minus strand). VCF-style: chr15-89649023-G-A. GRCh37 (hg19) VCF-style: chr15-90192254-G-A.
Other names: short protein forms P292S.
Identifiers: ClinVar variation 1481781 (VCV001481781.8), dbSNP rs2142030215, ClinGen allele CA393774077.

ClinVar aggregate classification (germline): Uncertain significance (1 of 4 stars; one submission).

Conditions:
Acrocallosal syndrome (ACLS). Also called: HALLUX DUPLICATION, POSTAXIAL POLYDACTYLY, AND ABSENCE OF CORPUS CALLOSUM; Schinzel syndrome 1; Absence of corpus callosum with unusual facial appearance, mental deficiency, duplication of the halluces and polydactyly. Identifiers: Orphanet 36, MedGen C0796147, MONDO:0008708, OMIM 200990.

gnomAD v4.1: 1 of 1,548,078 alleles (0.000065%); highest among the groups gnomAD compares: Middle Eastern, 0.017%; no homozygotes.

Submission:

Labcorp Genetics (formerly Invitae), Labcorp
Classification: Uncertain significance for Acrocallosal syndrome. Last evaluated: 2021-07-21. Review status: criteria provided, single submitter. Criteria: Invitae Variant Classification Sherloc (09022015). Collection method: clinical testing. Allele origin: germline.
Comment: This sequence change replaces proline with serine at codon 292 of the KIF7 protein (p.Pro292Ser). The proline residue is weakly conserved and there is a moderate physicochemical difference between proline and serine. This variant is not present in population databases (ExAC no frequency). This variant has not been reported in the literature in individuals affected with KIF7-related conditions. Algorithms developed to predict the effect of missense changes on protein structure and function output the following: SIFT: "Deleterious"; PolyPhen-2: "Benign"; Align-GVGD: "Class C0". The serine amino acid residue is found in multiple mammalian species, which suggests that this missense change does not adversely affect protein function. In summary, the available evidence is currently insufficient to determine the role of this variant in disease. Therefore, it has been classified as a Variant of Uncertain Significance.